The following is an entry in ClinVar:

NM_006231.4(POLE):c.6734C>G (p.Thr2245Ser)

Gene: POLE (DNA polymerase epsilon, catalytic subunit; minus strand). Cytogenetic location: 12q24.33.
Variant type: single nucleotide variant.
Coding change: c.6734C>G on transcript NM_006231.4 (MANE Select); coding-DNA position 6734, C replaced by G.
Protein change: p.Thr2245Ser; replaces threonine 2245 with serine.
Molecular consequence: missense variant.
Genome position (GRCh38, 1-based): chr12:132,624,918, G>C on the plus strand (C>G on the coding strand, the complement: POLE is on the minus strand). VCF-style: chr12-132624918-G-C. GRCh37 (hg19) VCF-style: chr12-133201504-G-C.
Other names: short protein forms T2245S.
Identifiers: ClinVar variation 473811 (VCV000473811.17), dbSNP rs747676884, ClinGen allele CA6892002.
Genomic context (GRCh38, chr12:132,624,918, plus strand): 5'-AGGCCAAGGAGGCCAGGCTGAGCCGAGGCAGATGAGGGAGAGCCCACCTGGGTGTGGATG[G>C]TGAGGGCGAAGTCTCCCGCGCAGCTGCAGTACACAGGCATGCTGGTCTCCTTCACCCCGC-3'
Protein context (NP_006222.2, residues 2235-2255): YCSCAGDFAL[Thr2245Ser]IHTQVFMEQI

ClinVar aggregate classification (germline): Uncertain significance. Review status: criteria provided, multiple submitters, no conflicts (2 of 4 stars). 5 submissions from 5 submitters: Uncertain significance (5). Last evaluated 2026-01-26.

Conditions:
Facial dysmorphism-immunodeficiency-livedo-short stature syndrome. Also called: Facial dysmorphism, immunodeficiency, livedo, and short stature; FILS syndrome. Identifiers: Orphanet 352712, MedGen C3554576, MONDO:0014058, OMIM 615139.
Intrauterine growth retardation, metaphyseal dysplasia, adrenal hypoplasia congenita, genital anomalies, and immunodeficiency. Also called: IMAGEI SYNDROME. Identifiers: MedGen C5193036, MONDO:0032684, OMIM 618336.
Colorectal cancer, susceptibility to, 12 (CRCS12). Also called: COLORECTAL CANCER, SUSCEPTIBILITY TO, ON CHROMOSOME 12q24. Identifiers: Orphanet 220460, MedGen C3554460, MONDO:0014038, OMIM 615083.
Hereditary cancer-predisposing syndrome. Also called: Neoplastic Syndromes, Hereditary; Tumor predisposition; Hereditary Cancer Syndrome; Hereditary neoplastic syndrome. Identifiers: Orphanet 140162, MedGen C0027672, MeSH D009386, MONDO:0015356.

Allele frequency attached by ClinVar (database versions not stated): gnomAD exomes below 0.00001; ExAC 0.00001; gnomAD 0.00001 and 0.00002; TOPMed 0.00002.
gnomAD v4.1: 7 of 1,613,946 alleles (0.00043%); highest among the groups gnomAD compares: African/African-American, 0.0027%; no homozygotes.

Submissions (5):

Labcorp Genetics (formerly Invitae), Labcorp
Classification: Uncertain significance. Last evaluated: 2026-01-26. Review status: criteria provided, single submitter. Criteria: Invitae Variant Classification Sherloc (09022015). Collection method: clinical testing. Allele origin: germline.
Comment: This sequence change replaces threonine, which is neutral and polar, with serine, which is neutral and polar, at codon 2245 of the POLE protein (p.Thr2245Ser). This variant is present in population databases (rs747676884, gnomAD 0.003%). This variant has not been reported in the literature in individuals affected with POLE-related conditions. ClinVar contains an entry for this variant (Variation ID: 473811). Invitae Evidence Modeling of protein sequence and biophysical properties (such as structural, functional, and spatial information, amino acid conservation, physicochemical variation, residue mobility, and thermodynamic stability) indicates that this missense variant is not expected to disrupt POLE protein function with a negative predictive value of 80%. In summary, the available evidence is currently insufficient to determine the role of this variant in disease. Therefore, it has been classified as a Variant of Uncertain Significance.

GeneDx
Classification: Uncertain significance. Last evaluated: 2024-12-17. Review status: criteria provided, single submitter. Criteria: GeneDx Variant Classification Process June 2021. Collection method: clinical testing. Allele origin: germline. Affected: yes.
Comment: Not observed at significant frequency in large population cohorts (gnomAD); In silico analysis indicates that this missense variant does not alter protein structure/function; Has not been previously published as pathogenic or benign to our knowledge; This variant is associated with the following publications: (PMID: 19296856)

Ambry Genetics
Classification: Uncertain significance for Hereditary cancer-predisposing syndrome. Last evaluated: 2024-04-16. Review status: criteria provided, single submitter. Criteria: Ambry Variant Classification Scheme 2023. Collection method: clinical testing. Allele origin: germline.
Comment: The p.T2245S variant (also known as c.6734C>G), located in coding exon 48 of the POLE gene, results from a C to G substitution at nucleotide position 6734. The threonine at codon 2245 is replaced by serine, an amino acid with similar properties. This amino acid position is conserved. In addition, this alteration is predicted to be tolerated by in silico analysis. Since supporting evidence is limited at this time, the clinical significance of this alteration remains unclear.

Fulgent Genetics
Classification: Uncertain significance for Colorectal cancer, susceptibility to, 12; Facial dysmorphism-immunodeficiency-livedo-short stature syndrome; Intrauterine growth retardation, metaphyseal dysplasia, adrenal hypoplasia congenita, genital anomalies, and immunodeficiency. Last evaluated: 2021-12-28. Review status: criteria provided, single submitter. Criteria: ACMG Guidelines, 2015. Collection method: clinical testing. Allele origin: unknown.

Quest Diagnostics Nichols Institute San Juan Capistrano
Classification: Uncertain significance. Last evaluated: 2020-01-19. Review status: criteria provided, single submitter. Criteria: Quest Diagnostics criteria. Collection method: clinical testing. Allele origin: unknown.